The following is an entry in ClinVar:

NM_007118.4(TRIO):c.2796C>T (p.Ala932=)

Gene: TRIO (trio Rho guanine nucleotide exchange factor; plus strand). Cytogenetic location: 5p15.2.
Variant type: single nucleotide variant.
Coding change: c.2796C>T on transcript NM_007118.4 (MANE Select); coding-DNA position 2796, C replaced by T.
Protein change: p.Ala932=; no amino-acid change (alanine 932 retained).
Molecular consequence: synonymous variant. On other transcripts: non-coding transcript variant (1).
Genome position (GRCh38, 1-based): chr5:14,366,901, C>T. VCF-style: chr5-14366901-C-T. GRCh37 (hg19) VCF-style: chr5-14367010-C-T.
Identifiers: ClinVar variation 2655320 (VCV002655320.24), dbSNP rs141984882, ClinGen allele CA3206006.

ClinVar aggregate classification (germline): Likely benign (1 of 4 stars; one submission).

Allele frequency attached by ClinVar (database versions not stated): gnomAD exomes 0.00004; ExAC 0.00003.
gnomAD v4.1: 69 of 1,614,012 alleles (0.0043%); highest among the groups gnomAD compares: Middle Eastern, 0.016%; no homozygotes.

Submission:

CeGaT Center for Human Genetics Tuebingen
Classification: Likely benign. Last evaluated: 2025-07-01. Review status: criteria provided, single submitter. Criteria: CeGaT Center For Human Genetics Tuebingen Variant Classification Criteria Version 2. Collection method: clinical testing. Allele origin: germline. Affected: yes. Observed: 3 variant alleles.
Comment: TRIO: BP4, BP7